The following is an entry in ClinVar:

NM_001384732.1(CPLANE1):c.5259G>A (p.Trp1753Ter)

Gene: CPLANE1 (ciliogenesis and planar polarity effector complex subunit 1; minus strand). Cytogenetic location: 5p13.2.
Variant type: single nucleotide variant.
Coding change: c.5259G>A on transcript NM_001384732.1 (MANE Select); coding-DNA position 5259, G replaced by A.
Protein change: p.Trp1753Ter; replaces tryptophan 1753 with a stop codon.
Molecular consequence: nonsense.
Genome position (GRCh38, 1-based): chr5:37,182,922, C>T on the plus strand (G>A on the coding strand, the complement: CPLANE1 is on the minus strand). VCF-style: chr5-37182922-C-T. GRCh37 (hg19) VCF-style: chr5-37183024-C-T.
Other names: c.5259G>A, p.Trp1753Ter (NM_023073.4); short protein forms W1753*.
Identifiers: ClinVar variation 2954600 (VCV002954600.4), dbSNP rs758217149, ClinGen allele CA3238586.
Genomic context (GRCh38, chr5:37,182,922, plus strand): 5'-TGGACTGTACTCAGAGGATGACTCAGTTATACCAGAATCACAGAGTAGCCTTCTATTAGA[C>T]CACCTTATCATCCATTCCAGCAGTCTTCCTATACTGCCAAAAGTGTTTAGTGCTAAAGGA-3'

ClinVar aggregate classification (germline): Pathogenic/Likely pathogenic. Review status: criteria provided, multiple submitters, no conflicts (2 of 4 stars). 2 submissions from 2 submitters: Pathogenic (1); Likely pathogenic (1). Last evaluated 2024-07-25.

Conditions:
C5ORF42 & CPLANE1-related disorders.

Allele frequency attached by ClinVar (database versions not stated): ExAC 0.00001; gnomAD exomes 0.00001; gnomAD 0.00002.
gnomAD v4.1: 17 of 1,605,402 alleles (0.0011%); highest among the groups gnomAD compares: Non-Finnish European, 0.0014%; no homozygotes.

Submissions (2):

Blueprint Genetics
Classification: Likely pathogenic for C5ORF42 & CPLANE1-related disorders. Last evaluated: 2024-07-25. Review status: criteria provided, single submitter. Criteria: ACMG Guidelines, 2015. Collection method: clinical testing. Allele origin: germline. Affected: yes. Observed: 2 variant alleles.

Labcorp Genetics (formerly Invitae), Labcorp
Classification: Pathogenic. Last evaluated: 2024-05-09. Review status: criteria provided, single submitter. Criteria: Invitae Variant Classification Sherloc (09022015). Collection method: clinical testing. Allele origin: germline.
Comment: This sequence change creates a premature translational stop signal (p.Trp1753*) in the CPLANE1 gene. It is expected to result in an absent or disrupted protein product. Loss-of-function variants in CPLANE1 are known to be pathogenic (PMID: 24178751, 26092869). This variant is present in population databases (rs758217149, gnomAD 0.01%). This variant has not been reported in the literature in individuals affected with CPLANE1-related conditions. For these reasons, this variant has been classified as Pathogenic.

Literature cited by the submitters: PubMed 24178751 (cited by Labcorp Genetics (formerly Invitae), Labcorp); PubMed 26092869 (cited by Labcorp Genetics (formerly Invitae), Labcorp).